The following is an entry in ClinVar:

NM_001018115.3(FANCD2):c.4112T>A (p.Val1371Asp)

Genes: FANCD2OS (FANCD2 opposite strand; minus strand), FANCD2 (FA complementation group D2; plus strand). Cytogenetic location: 3p25.3.
Variant type: single nucleotide variant.
Coding change: c.4112T>A on transcript NM_001018115.3 (MANE Select); coding-DNA position 4112, T replaced by A.
Protein change: p.Val1371Asp; replaces valine 1371 with aspartic acid.
Molecular consequence: missense variant. On other transcripts: intron variant (1).
Genome position (GRCh38, 1-based): chr3:10,096,399, T>A. VCF-style: chr3-10096399-T-A. GRCh37 (hg19) VCF-style: chr3-10138083-T-A.
Other names: c.4112T>A, p.Val1371Asp (NM_001319984.2, NM_033084.6); c.4001T>A, p.Val1334Asp (NM_001374253.1); c.4073T>A, p.Val1358Asp (NM_001374254.1); c.*43+7799A>T (NM_173472.2); short protein forms V1334D, V1358D, V1371D.
Identifiers: ClinVar variation 1063198 (VCV001063198.9), dbSNP rs2125095439, ClinGen allele CA351757817.

ClinVar aggregate classification (germline): Uncertain significance (1 of 4 stars; one submission).

Conditions:
Fanconi anemia (FA). Also called: Fanconi's anemia. Identifiers: Orphanet 84, MedGen C0015625, MeSH D005199, MONDO:0019391.

Submission:

Labcorp Genetics (formerly Invitae), Labcorp
Classification: Uncertain significance for Fanconi anemia. Last evaluated: 2020-03-03. Review status: criteria provided, single submitter. Criteria: Invitae Variant Classification Sherloc (09022015). Collection method: clinical testing. Allele origin: germline.
Comment: This sequence change replaces valine with aspartic acid at codon 1371 of the FANCD2 protein (p.Val1371Asp). The valine residue is highly conserved and there is a large physicochemical difference between valine and aspartic acid. This variant is not present in population databases (ExAC no frequency). This variant has not been reported in the literature in individuals with FANCD2-related conditions. Algorithms developed to predict the effect of missense changes on protein structure and function are either unavailable or do not agree on the potential impact of this missense change (SIFT: "Deleterious"; PolyPhen-2: "Probably Damaging"; Align-GVGD: "Class C15"). In summary, the available evidence is currently insufficient to determine the role of this variant in disease. Therefore, it has been classified as a Variant of Uncertain Significance.